The following is an entry in ClinVar:

NM_145207.3(AFG2A):c.2566C>G (p.Leu856Val)

Gene: AFG2A (AFG2 AAA ATPase homolog A; plus strand). Cytogenetic location: 4q28.1.
Variant type: single nucleotide variant.
Coding change: c.2566C>G on transcript NM_145207.3 (MANE Select); coding-DNA position 2566, C replaced by G.
Protein change: p.Leu856Val; replaces leucine 856 with valine.
Molecular consequence: missense variant.
Genome position (GRCh38, 1-based): chr4:123,313,948, C>G. VCF-style: chr4-123313948-C-G. GRCh37 (hg19) VCF-style: chr4-124235103-C-G.
Other names: c.2563C>G, p.Leu855Val (NM_001345856.2); short protein forms L855V, L856V.
Identifiers: ClinVar variation 2578281 (VCV002578281.1), dbSNP rs919319244, ClinGen allele CA105295669.

ClinVar aggregate classification (germline): Uncertain significance (1 of 4 stars; one submission).

Allele frequency attached by ClinVar (database versions not stated): gnomAD 0.00001; gnomAD exomes 0.00002; TOPMed 0.00002.
gnomAD v4.1: 38 of 1,612,804 alleles (0.0024%); highest among the groups gnomAD compares: Non-Finnish European, 0.003%; no homozygotes.

Submission:

GeneDx
Classification: Uncertain significance. Last evaluated: 2023-03-02. Review status: criteria provided, single submitter. Criteria: GeneDx Variant Classification Process June 2021. Collection method: clinical testing. Allele origin: germline. Affected: yes.
Comment: Not observed at significant frequency in large population cohorts (gnomAD); In silico analysis supports that this missense variant does not alter protein structure/function; Has not been previously published as pathogenic or benign to our knowledge